The following is an entry in ClinVar:

NM_001371986.1(UNC80):c.4807A>G (p.Thr1603Ala)

Gene: UNC80 (unc-80 subunit of NALCN channel complex; plus strand). Cytogenetic location: 2q34.
Variant type: single nucleotide variant.
Coding change: c.4807A>G on transcript NM_001371986.1 (MANE Select); coding-DNA position 4807, A replaced by G.
Protein change: p.Thr1603Ala; replaces threonine 1603 with alanine.
Molecular consequence: missense variant.
Genome position (GRCh38, 1-based): chr2:209,912,584, A>G. VCF-style: chr2-209912584-A-G. GRCh37 (hg19) VCF-style: chr2-210777308-A-G.
Other names: c.4609A>G, p.Thr1537Ala (NM_032504.2); c.4594A>G, p.Thr1532Ala (NM_182587.4); short protein forms T1537A, T1603A, T1532A.
Identifiers: ClinVar variation 1363157 (VCV001363157.8), dbSNP rs1023477727, ClinGen allele CA350754137.

ClinVar aggregate classification (germline): Uncertain significance (1 of 4 stars; one submission).

gnomAD v4.1: 1 of 1,551,440 alleles (0.000064%); no homozygotes.

Submission:

Labcorp Genetics (formerly Invitae), Labcorp
Classification: Uncertain significance. Last evaluated: 2021-06-22. Review status: criteria provided, single submitter. Criteria: Invitae Variant Classification Sherloc (09022015). Collection method: clinical testing. Allele origin: germline.
Comment: This sequence change replaces threonine with alanine at codon 1537 of the UNC80 protein (p.Thr1537Ala). The threonine residue is moderately conserved and there is a small physicochemical difference between threonine and alanine. This variant is not present in population databases (ExAC no frequency). This variant has not been reported in the literature in individuals with UNC80-related conditions. Algorithms developed to predict the effect of missense changes on protein structure and function are either unavailable or do not agree on the potential impact of this missense change (SIFT: "Not Available"; PolyPhen-2: "Probably Damaging"; Align-GVGD: "Not Available"). In summary, the available evidence is currently insufficient to determine the role of this variant in disease. Therefore, it has been classified as a Variant of Uncertain Significance.